The following is an entry in ClinVar:

ClinVar aggregate classification (germline): Uncertain significance (1 of 4 stars; one submission).

Conditions:
ALG8 congenital disorder of glycosylation. Also called: CONGENITAL DISORDER OF GLYCOSYLATION, TYPE Ih; CDG Ih; ALG8-CDG. Identifiers: Orphanet 79325, MedGen C2931002, MONDO:0011969, OMIM 608104.

Submission:

Labcorp Genetics (formerly Invitae), Labcorp
Classification: Uncertain significance for ALG8 congenital disorder of glycosylation. Last evaluated: 2025-11-23. Review status: criteria provided, single submitter. Criteria: Invitae Variant Classification Sherloc (09022015). Collection method: clinical testing. Allele origin: germline.
Comment: This sequence change replaces valine, which is neutral and non-polar, with methionine, which is neutral and non-polar, at codon 295 of the ALG8 protein (p.Val295Met). This variant is present in population databases (no rsID available, gnomAD 0.02%). This variant has not been reported in the literature in individuals affected with ALG8-related conditions. Invitae Evidence Modeling of protein sequence and biophysical properties (such as structural, functional, and spatial information, amino acid conservation, physicochemical variation, residue mobility, and thermodynamic stability) indicates that this missense variant is not expected to disrupt ALG8 protein function with a negative predictive value of 80%. In summary, the available evidence is currently insufficient to determine the role of this variant in disease. Therefore, it has been classified as a Variant of Uncertain Significance.

NM_024079.5(ALG8):c.883G>A (p.Val295Met)

Gene: ALG8 (ALG8 alpha-1,3-glucosyltransferase; minus strand). Cytogenetic location: 11q14.1.
Variant type: single nucleotide variant.
Coding change: c.883G>A on transcript NM_024079.5 (MANE Select); coding-DNA position 883, G replaced by A.
Protein change: p.Val295Met; replaces valine 295 with methionine.
Molecular consequence: missense variant. On other transcripts: non-coding transcript variant (2), intron variant (2).
Genome position (GRCh38, 1-based): chr11:78,112,665, C>T on the plus strand (G>A on the coding strand, the complement: ALG8 is on the minus strand). VCF-style: chr11-78112665-C-T. GRCh37 (hg19) VCF-style: chr11-77823711-C-T.
Other names: c.883G>A, p.Val295Met (NM_001007027.3, NM_001425221.1, NM_001425222.1 and 8 more transcripts); c.886G>A, p.Val296Met (NM_001425219.1); c.868G>A, p.Val290Met (NM_001425220.1); c.877G>A, p.Val293Met (NM_001425223.1); c.976G>A, p.Val326Met (NM_001425224.1); c.730G>A, p.Val244Met (NM_001425226.1, NM_001425235.1, NM_001425236.1); c.682G>A, p.Val228Met (NM_001425231.1); c.619G>A, p.Val207Met (NM_001425234.1, NM_001425239.1); and 5 more; short protein forms V110M, V293M, V123M, V244M, V326M, V295M, V296M, S260N.
Identifiers: ClinVar variation 4779457 (VCV004779457.1).